The following is an entry in ClinVar:

NM_000020.3(ACVRL1):c.251T>G (p.Phe84Cys)

Gene: ACVRL1 (activin A receptor like type 1; plus strand). Cytogenetic location: 12q13.13.
Variant type: single nucleotide variant.
Coding change: c.251T>G on transcript NM_000020.3 (MANE Select); coding-DNA position 251, T replaced by G.
Protein change: p.Phe84Cys; replaces phenylalanine 84 with cysteine.
Molecular consequence: missense variant.
Genome position (GRCh38, 1-based): chr12:51,913,288, T>G. VCF-style: chr12-51913288-T-G. GRCh37 (hg19) VCF-style: chr12-52307072-T-G.
Other names: c.251T>G, p.Phe84Cys (NM_001077401.2); short protein forms F84C.
Identifiers: ClinVar variation 1020566 (VCV001020566.8), dbSNP rs1940738967, ClinGen allele CA384898000.
Genomic context (GRCh38, chr12:51,913,288, plus strand): 5'-AGGAACATCGGGGCTGCGGGAACTTGCACAGGGAGCTCTGCAGGGGGCGCCCCACCGAGT[T>G]CGTCAACCACTACTGCTGCGACAGCCACCTCTGCAACCACAACGTGTCCCTGGTGCTGGA-3'
Protein context (NP_000011.2, residues 74-94): RELCRGRPTE[Phe84Cys]VNHYCCDSHL

ClinVar aggregate classification (germline): Uncertain significance (1 of 4 stars; one submission).

Conditions:
Telangiectasia, hereditary hemorrhagic, type 2 (HHT2). Also called: ACVRL1-Related Hereditary Hemorrhagic Telangiectasia; Telangiectasia, hereditary hemorrhagic, type II. Identifiers: Orphanet 774, MedGen C1838163, MONDO:0010880, OMIM 600376. Disease mechanism: loss of function.

Allele frequency attached by ClinVar (database versions not stated): gnomAD exomes below 0.00001.
gnomAD v4.1: 1 of 1,608,606 alleles (0.000062%); highest among the groups gnomAD compares: Non-Finnish European, 0.000085%; no homozygotes.

Submission:

Labcorp Genetics (formerly Invitae), Labcorp
Classification: Uncertain significance for Telangiectasia, hereditary hemorrhagic, type 2. Last evaluated: 2020-02-27. Review status: criteria provided, single submitter. Criteria: Invitae Variant Classification Sherloc (09022015). Collection method: clinical testing. Allele origin: germline.
Comment: This variant is not present in population databases (ExAC no frequency). In summary, the available evidence is currently insufficient to determine the role of this variant in disease. Therefore, it has been classified as a Variant of Uncertain Significance. Algorithms developed to predict the effect of missense changes on protein structure and function are either unavailable or do not agree on the potential impact of this missense change (SIFT: "Tolerated"; PolyPhen-2: "Possibly Damaging"; Align-GVGD: "Class C15"). This variant has been observed in individual(s) with clinical features of hereditary hemorrhagic telangiectasia (Invitae). This sequence change replaces phenylalanine with cysteine at codon 84 of the ACVRL1 protein (p.Phe84Cys). The phenylalanine residue is highly conserved and there is a large physicochemical difference between phenylalanine and cysteine.